The following is an entry in ClinVar:

NM_201384.3(PLEC):c.991G>A (p.Ala331Thr)

Gene: PLEC (plectin; minus strand). Cytogenetic location: 8q24.3.
Variant type: single nucleotide variant.
Coding change: c.991G>A on transcript NM_201384.3 (MANE Select); coding-DNA position 991, G replaced by A.
Protein change: p.Ala331Thr; replaces alanine 331 with threonine.
Molecular consequence: missense variant.
Genome position (GRCh38, 1-based): chr8:143,934,685, C>T on the plus strand (G>A on the coding strand, the complement: PLEC is on the minus strand). VCF-style: chr8-143934685-C-T. GRCh37 (hg19) VCF-style: chr8-145008853-C-T.
Other names: c.1072G>A, p.Ala358Thr (NM_000445.5); c.949G>A, p.Ala317Thr (NM_201378.4); c.925G>A, p.Ala309Thr (NM_201379.3); c.1402G>A, p.Ala468Thr (NM_201380.4); c.895G>A, p.Ala299Thr (NM_201381.3); c.991G>A, p.Ala331Thr (NM_201382.4); c.1003G>A, p.Ala335Thr (NM_201383.3); short protein forms A358T, A335T, A299T, A309T, A331T, A468T, A317T.
Identifiers: ClinVar variation 1357451 (VCV001357451.8), dbSNP rs782338088, ClinGen allele CA4928225.

ClinVar aggregate classification (germline): Uncertain significance (1 of 4 stars; one submission).

Conditions:
Epidermolysis bullosa simplex 5B, with muscular dystrophy (EBS5B). Also called: Epidermolysis bullosa simplex with muscular dystrophy; EPIDERMOLYSIS BULLOSA SIMPLEX AND LIMB-GIRDLE MUSCULAR DYSTROPHY. Identifiers: Orphanet 257, MedGen C2931072, MONDO:0009181, OMIM 226670.
Epidermolysis bullosa simplex 5C, with pyloric atresia (EBS5C). Also called: Epidermolysis bullosa simplex with pyloric atresia; PLEC-Related Epidermolysis Bullosa with Pyloric Atresia; PLEC1-Related Epidermolysis Bullosa with Pyloric Atresia. Identifiers: Orphanet 158684, MedGen C2677349, MONDO:0012807, OMIM 612138.
Epidermolysis bullosa simplex with nail dystrophy (EBS5D). Identifiers: MedGen C4225309, MONDO:0014661, OMIM 616487.
Autosomal recessive limb-girdle muscular dystrophy type 2Q (LGMDR17). Also called: MUSCULAR DYSTROPHY, LIMB-GIRDLE, AUTOSOMAL RECESSIVE 17. Identifiers: Orphanet 254361, MedGen C3150989, MONDO:0013390, OMIM 613723.
Epidermolysis bullosa simplex, Ogna type (EBS5A). Also called: Pidermolysis bullosa simplex 5A, Ogna type; EPIDERMOLYSIS BULLOSA SIMPLEX 5A, OGNA TYPE. Identifiers: Orphanet 79401, MedGen C0432317, MONDO:0007555, OMIM 131950.

Allele frequency attached by ClinVar (database versions not stated): gnomAD 0.00001.
gnomAD v4.1: 9 of 1,612,900 alleles (0.00056%); highest among the groups gnomAD compares: Non-Finnish European, 0.00017%; no homozygotes.

Submission:

Labcorp Genetics (formerly Invitae), Labcorp
Classification: Uncertain significance for Autosomal recessive limb-girdle muscular dystrophy type 2Q; Epidermolysis bullosa simplex, Ogna type; Epidermolysis bullosa simplex with nail dystrophy; Epidermolysis bullosa simplex 5C, with pyloric atresia; Epidermolysis bullosa simplex 5B, with muscular dystrophy. Last evaluated: 2023-08-17. Review status: criteria provided, single submitter. Criteria: Invitae Variant Classification Sherloc (09022015). Collection method: clinical testing. Allele origin: germline.
Comment: This variant has not been reported in the literature in individuals affected with PLEC-related conditions. ClinVar contains an entry for this variant (Variation ID: 1357451). Advanced modeling of protein sequence and biophysical properties (such as structural, functional, and spatial information, amino acid conservation, physicochemical variation, residue mobility, and thermodynamic stability) performed at Invitae indicates that this missense variant is not expected to disrupt PLEC protein function. In summary, the available evidence is currently insufficient to determine the role of this variant in disease. Therefore, it has been classified as a Variant of Uncertain Significance. This variant is present in population databases (rs782338088, gnomAD 0.02%). This sequence change replaces alanine, which is neutral and non-polar, with threonine, which is neutral and polar, at codon 358 of the PLEC protein (p.Ala358Thr).